The following is an entry in ClinVar:

ClinVar aggregate classification (germline): Uncertain significance. Review status: criteria provided, multiple submitters, no conflicts (2 of 4 stars). 2 submissions from 2 submitters: Uncertain significance (2). Last evaluated 2026-03-31.

Allele frequency attached by ClinVar (database versions not stated): ESP Exome Variant Server 0.00015; gnomAD 0.00006; gnomAD exomes 0.00007 and 0.00004; ExAC 0.00008; TOPMed 0.00005.
gnomAD v4.1: 108 of 1,611,262 alleles (0.0067%); highest among the groups gnomAD compares: Middle Eastern, 0.016%; no homozygotes.

Submissions (2):

GeneDx
Classification: Uncertain significance. Last evaluated: 2026-03-31. Review status: criteria provided, single submitter. Criteria: GeneDx Variant Classification Process June 2021. Collection method: clinical testing. Allele origin: germline.
Comment: In silico analysis suggests that this missense variant does not alter protein structure/function; Has not been previously published as pathogenic or benign to our knowledge

Labcorp Genetics (formerly Invitae), Labcorp
Classification: Uncertain significance. Last evaluated: 2024-01-25. Review status: criteria provided, single submitter. Criteria: Invitae Variant Classification Sherloc (09022015). Collection method: clinical testing. Allele origin: germline.
Comment: This sequence change replaces glycine, which is neutral and non-polar, with arginine, which is basic and polar, at codon 809 of the PTPN23 protein (p.Gly809Arg). This variant is present in population databases (rs369303208, gnomAD 0.01%). This variant has not been reported in the literature in individuals affected with PTPN23-related conditions. ClinVar contains an entry for this variant (Variation ID: 1438206). Experimental studies and prediction algorithms are not available or were not evaluated, and the functional significance of this variant is currently unknown. In summary, the available evidence is currently insufficient to determine the role of this variant in disease. Therefore, it has been classified as a Variant of Uncertain Significance.

NM_015466.4(PTPN23):c.2425G>A (p.Gly809Arg)

Gene: PTPN23 (protein tyrosine phosphatase non-receptor type 23; plus strand). Cytogenetic location: 3p21.31.
Variant type: single nucleotide variant.
Coding change: c.2425G>A on transcript NM_015466.4 (MANE Select); coding-DNA position 2425, G replaced by A.
Protein change: p.Gly809Arg; replaces glycine 809 with arginine.
Molecular consequence: missense variant.
Genome position (GRCh38, 1-based): chr3:47,410,223, G>A. VCF-style: chr3-47410223-G-A. GRCh37 (hg19) VCF-style: chr3-47451713-G-A.
Other names: c.2047G>A, p.Gly683Arg (NM_001304482.2); c.2425G>A (NM_015466.2); short protein forms G683R, G809R.
Identifiers: ClinVar variation 1438206 (VCV001438206.5), dbSNP rs369303208, ClinGen allele CA2366037.